The following is an entry in ClinVar:

NM_201384.3(PLEC):c.2134T>G (p.Cys712Gly)

Gene: PLEC (plectin; minus strand). Cytogenetic location: 8q24.3.
Variant type: single nucleotide variant.
Coding change: c.2134T>G on transcript NM_201384.3 (MANE Select); coding-DNA position 2134, T replaced by G.
Protein change: p.Cys712Gly; replaces cysteine 712 with glycine.
Molecular consequence: missense variant.
Genome position (GRCh38, 1-based): chr8:143,931,981, A>C on the plus strand (T>G on the coding strand, the complement: PLEC is on the minus strand). VCF-style: chr8-143931981-A-C. GRCh37 (hg19) VCF-style: chr8-145006149-A-C.
Other names: c.2215T>G, p.Cys739Gly (NM_000445.5, NM_001410941.1); c.2092T>G, p.Cys698Gly (NM_201378.4); c.2068T>G, p.Cys690Gly (NM_201379.3); c.2545T>G, p.Cys849Gly (NM_201380.4); c.2038T>G, p.Cys680Gly (NM_201381.3); c.2134T>G, p.Cys712Gly (NM_201382.4); c.2146T>G, p.Cys716Gly (NM_201383.3); short protein forms C690G, C712G, C716G, C849G, C680G, C698G, C739G.
Identifiers: ClinVar variation 2104699 (VCV002104699.4), dbSNP rs1282171970, ClinGen allele CA372576871.

ClinVar aggregate classification (germline): Uncertain significance (1 of 4 stars; one submission).

Conditions:
Epidermolysis bullosa simplex 5C, with pyloric atresia (EBS5C). Also called: PLEC-Related Epidermolysis Bullosa with Pyloric Atresia; Epidermolysis bullosa simplex with pyloric atresia; PLEC1-Related Epidermolysis Bullosa with Pyloric Atresia. Identifiers: Orphanet 158684, MedGen C2677349, MONDO:0012807, OMIM 612138.
Autosomal recessive limb-girdle muscular dystrophy type 2Q (LGMDR17). Also called: MUSCULAR DYSTROPHY, LIMB-GIRDLE, AUTOSOMAL RECESSIVE 17. Identifiers: Orphanet 254361, MedGen C3150989, MONDO:0013390, OMIM 613723.
Epidermolysis bullosa simplex, Ogna type (EBS5A). Also called: Pidermolysis bullosa simplex 5A, Ogna type; EPIDERMOLYSIS BULLOSA SIMPLEX 5A, OGNA TYPE. Identifiers: Orphanet 79401, MedGen C0432317, MONDO:0007555, OMIM 131950.
Epidermolysis bullosa simplex 5B, with muscular dystrophy (EBS5B). Also called: Epidermolysis bullosa simplex with muscular dystrophy; EPIDERMOLYSIS BULLOSA SIMPLEX AND LIMB-GIRDLE MUSCULAR DYSTROPHY. Identifiers: Orphanet 257, MedGen C2931072, MONDO:0009181, OMIM 226670.
Epidermolysis bullosa simplex with nail dystrophy (EBS5D). Identifiers: MedGen C4225309, MONDO:0014661, OMIM 616487.

Submission:

Labcorp Genetics (formerly Invitae), Labcorp
Classification: Uncertain significance for Autosomal recessive limb-girdle muscular dystrophy type 2Q; Epidermolysis bullosa simplex, Ogna type; Epidermolysis bullosa simplex with nail dystrophy; Epidermolysis bullosa simplex 5C, with pyloric atresia; Epidermolysis bullosa simplex 5B, with muscular dystrophy. Last evaluated: 2022-02-28. Review status: criteria provided, single submitter. Criteria: Invitae Variant Classification Sherloc (09022015). Collection method: clinical testing. Allele origin: germline.
Comment: In summary, the available evidence is currently insufficient to determine the role of this variant in disease. Therefore, it has been classified as a Variant of Uncertain Significance. Algorithms developed to predict the effect of missense changes on protein structure and function are either unavailable or do not agree on the potential impact of this missense change (SIFT: "Deleterious"; PolyPhen-2: "Not Available"; Align-GVGD: "Class C65"). This variant has not been reported in the literature in individuals affected with PLEC-related conditions. This variant is not present in population databases (gnomAD no frequency). This sequence change replaces cysteine, which is neutral and slightly polar, with glycine, which is neutral and non-polar, at codon 739 of the PLEC protein (p.Cys739Gly).